The following is an entry in ClinVar:

NM_001127222.2(CACNA1A):c.2633A>T (p.Asp878Val)

Gene: CACNA1A (calcium voltage-gated channel subunit alpha1 A; minus strand). Cytogenetic location: 19p13.13.
Variant type: single nucleotide variant.
Coding change: c.2633A>T on transcript NM_001127222.2 (MANE Select); coding-DNA position 2633, A replaced by T.
Protein change: p.Asp878Val; replaces aspartic acid 878 with valine.
Molecular consequence: missense variant.
Genome position (GRCh38, 1-based): chr19:13,299,000, T>A on the plus strand (A>T on the coding strand, the complement: CACNA1A is on the minus strand). VCF-style: chr19-13299000-T-A. GRCh37 (hg19) VCF-style: chr19-13409814-T-A.
Other names: c.2645A>T, p.Asp882Val (NM_000068.4, NM_023035.3); c.2636A>T, p.Asp879Val (NM_001127221.2, NM_001174080.2); short protein forms D879V, D882V, D878V.
Identifiers: ClinVar variation 589827 (VCV000589827.5), dbSNP rs1568508904, ClinGen allele CA404343039.
Genomic context (GRCh38, chr19:13,299,000, plus strand): 5'-CCGTAGGGTCCCTCCCGGCTCAGCTCGGCCTCCTGGCTTCCCGCCCAGGGCCTCCGTGCG[T>A]CCAGGCCCGCCGAGCCGCTGGGGTCCCGGGCCCGATCGTGGTAGCGGGCCTGTTTCCTGA-3'
Protein context (NP_001120694.1, residues 868-888): ARDPSGSAGL[Asp878Val]ARRPWAGSQE

ClinVar aggregate classification (germline): Uncertain significance (1 of 4 stars; one submission).

Conditions:
Inborn genetic diseases. Identifiers: MedGen C0950123, MeSH D030342.

Submission:

Ambry Genetics
Classification: Uncertain significance for Inborn genetic diseases. Last evaluated: 2016-05-09. Review status: criteria provided, single submitter. Criteria: Ambry Variant Classification Scheme 2023. Collection method: clinical testing. Allele origin: germline.
Comment: The p.D879V variant (also known as c.2636A>T), located in coding exon 19 of the CACNA1A gene, results from an A to T substitution at nucleotide position 2636. The aspartic acid at codon 879 is replaced by valine, an amino acid with highly dissimilar properties. This variant was not reported in population based cohorts in the following databases: Database of Single Nucleotide Polymorphisms (dbSNP), NHLBI Exome Sequencing Project (ESP), and 1000 Genomes Project. In the ESP, this variant was not observed in 5655 samples (11310 alleles) with coverage at this position. This amino acid position is poorly conserved in available vertebrate species. In addition, the in silico prediction for this alteration is inconclusive. Since supporting evidence is limited at this time, the clinical significance of this variant remains unclear.